The following is an entry in ClinVar:

NM_000138.5(FBN1):c.1849_1851del (p.Cys617del)

Gene: FBN1 (fibrillin 1; minus strand). Cytogenetic location: 15q21.1.
Variant type: Deletion.
Coding change: c.1849_1851del on transcript NM_000138.5 (MANE Select); coding-DNA positions 1849 to 1851, 3 bases deleted (TGT; older notation c.1849_1851delTGT).
Protein change: p.Cys617del; deletes cysteine 617.
Molecular consequence: inframe deletion.
Genome position (GRCh38, 1-based): chr15:48,505,134-48,505,136, ACA deleted on the plus strand (TGT on the coding strand, the reverse complement: FBN1 is on the minus strand). VCF-style (leftmost placement, unchanged base first): chr15-48505133-CACA-C. GRCh37 (hg19) VCF-style: chr15-48797330-CACA-C.
Other names: short protein forms C617del.
Identifiers: ClinVar variation 1066393 (VCV001066393.9), dbSNP rs2141317465, ClinGen allele CA2499223009.

ClinVar aggregate classification (germline): Likely pathogenic (1 of 4 stars; one submission).

Conditions:
Marfan syndrome (MFS). Also called: FBN1-Related Marfan Syndrome; MARFAN SYNDROME, TYPE I; Marfan syndrome type 1; Marfan's syndrome; Marfan syndrome, classic. Identifiers: Orphanet 284963, Orphanet 558, MedGen C0024796, MONDO:0007947, OMIM 154700.
Familial thoracic aortic aneurysm and aortic dissection (TAAD). Also called: Thoracic aortic aneurysms and dissections. Identifiers: Orphanet 91387, MedGen C4707243, MONDO:0019625.

Submission:

Labcorp Genetics (formerly Invitae), Labcorp
Classification: Likely pathogenic for Marfan syndrome; Familial thoracic aortic aneurysm and aortic dissection. Last evaluated: 2020-02-05. Review status: criteria provided, single submitter. Criteria: Invitae Variant Classification Sherloc (09022015). Collection method: clinical testing. Allele origin: germline.
Comment: This variant has been observed in individual(s) with clinical features of Marfan syndrome (Invitae). This variant affects a cysteine residue in the EGF-like, TGFBP or hybrid motif domains of FBN1. Cysteine residues are believed to be involved in intramolecular disulfide bridges and have been shown to be important for FBN1 protein structure (PMID: 16905551, 19349279). In addition, missense substitutions affecting cysteine residues within these domains are significantly overrepresented among patients with Marfan syndrome (PMID: 16571647, 17701892). In summary, the currently available evidence indicates that the variant is pathogenic, but additional data are needed to prove that conclusively. Therefore, this variant has been classified as Likely Pathogenic. This variant disrupts the p.Cys617 amino acid residue in FBN1. Other variant(s) that disrupt this residue have been observed in individuals with FBN1-related conditions (PMID: 29357934), which suggests that this may be a clinically significant amino acid residue. This variant is not present in population databases (ExAC no frequency). This variant, c.1849_1851del, results in the deletion of 1 amino acid(s) of the FBN1 protein (p.Cys617del), but otherwise preserves the integrity of the reading frame.

Literature cited by the submitters: PubMed 16905551; PubMed 19349279; PubMed 16571647; PubMed 17701892; PubMed 29357934.